The following is an entry in ClinVar:

NM_015378.4(VPS13D):c.2270C>G (p.Ala757Gly)

Gene: VPS13D (vacuolar protein sorting 13 homolog D; plus strand). Cytogenetic location: 1p36.22.
Variant type: single nucleotide variant.
Coding change: c.2270C>G on transcript NM_015378.4 (MANE Select); coding-DNA position 2270, C replaced by G.
Protein change: p.Ala757Gly; replaces alanine 757 with glycine.
Molecular consequence: missense variant.
Genome position (GRCh38, 1-based): chr1:12,275,858, C>G. VCF-style: chr1-12275858-C-G. GRCh37 (hg19) VCF-style: chr1-12335915-C-G.
Other names: c.2270C>G, p.Ala757Gly (NM_018156.4); short protein forms A757G.
Identifiers: ClinVar variation 4695394 (VCV004695394.1).

ClinVar aggregate classification (germline): Uncertain significance (1 of 4 stars; one submission).

gnomAD v4.1: 10 of 1,610,802 alleles (0.00062%); highest among the groups gnomAD compares: South Asian, 0.0011%; no homozygotes.

Submission:

Labcorp Genetics (formerly Invitae), Labcorp
Classification: Uncertain significance. Last evaluated: 2025-12-31. Review status: criteria provided, single submitter. Criteria: Invitae Variant Classification Sherloc (09022015). Collection method: clinical testing. Allele origin: germline.
Comment: This sequence change replaces alanine, which is neutral and non-polar, with glycine, which is neutral and non-polar, at codon 757 of the VPS13D protein (p.Ala757Gly). The frequency data for this variant in the population databases is considered unreliable, as metrics indicate poor data quality at this position in the gnomAD database. This variant has not been reported in the literature in individuals affected with VPS13D-related conditions. Invitae Evidence Modeling of protein sequence and biophysical properties (such as structural, functional, and spatial information, amino acid conservation, physicochemical variation, residue mobility, and thermodynamic stability) indicates that this missense variant is not expected to disrupt VPS13D protein function with a negative predictive value of 80%. In summary, the available evidence is currently insufficient to determine the role of this variant in disease. Therefore, it has been classified as a Variant of Uncertain Significance.